The following is an entry in ClinVar:

NM_001009931.3(HRNR):c.4920C>T (p.His1640=)

Genes: CCDST (cervical cancer associated DHX9 suppressive transcript; plus strand), HRNR (hornerin; minus strand). Cytogenetic location: 1q21.3.
Variant type: single nucleotide variant.
Coding change: c.4920C>T on transcript NM_001009931.3 (MANE Select); coding-DNA position 4920, C replaced by T.
Protein change: p.His1640=; no amino-acid change (histidine 1640 retained).
Molecular consequence: synonymous variant.
Genome position (GRCh38, 1-based): chr1:152,216,709, G>A on the plus strand (C>T on the coding strand, the complement: HRNR is on the minus strand). VCF-style: chr1-152216709-G-A. GRCh37 (hg19) VCF-style: chr1-152189185-G-A.
Identifiers: ClinVar variation 4084133 (VCV004084133.8).

ClinVar aggregate classification (germline): Likely benign (1 of 4 stars; one submission).

Submission:

CeGaT Center for Human Genetics Tuebingen
Classification: Likely benign. Last evaluated: 2026-01-01. Review status: criteria provided, single submitter. Criteria: CeGaT Center For Human Genetics Tuebingen Variant Classification Criteria Version 2. Collection method: clinical testing. Allele origin: germline. Affected: yes. Observed: 2 variant alleles.
Comment: HRNR: BP4, BP7